The following is an entry in ClinVar:

ClinVar aggregate classification (germline): Uncertain significance. Review status: criteria provided, multiple submitters, no conflicts (2 of 4 stars). 3 submissions from 3 submitters: Uncertain significance (3). Last evaluated 2024-01-30.

Conditions:
Familial cancer of breast. Also called: BREAST CANCER, FAMILIAL; Hereditary breast cancer; hereditary breast carcinoma. Identifiers: Orphanet 227535, MedGen C0346153, MONDO:0016419, OMIM 114480. Disease mechanism: loss of function.
Ataxia-telangiectasia syndrome (AT). Also called: LOUIS-BAR SYNDROME; Cerebello-oculocutaneous telangiectasia; Immunodeficiency with ataxia telangiectasia; Ataxia-telangiectasia, complementation group D; AT, COMPLEMENTATION GROUP C; ATAXIA-TELANGIECTASIA, COMPLEMENTATION GROUP A. Identifiers: Orphanet 100, MedGen C0004135, MONDO:0008840, OMIM 208900.
Hereditary cancer-predisposing syndrome. Also called: Neoplastic Syndromes, Hereditary; Tumor predisposition; Hereditary Cancer Syndrome; Hereditary neoplastic syndrome. Identifiers: Orphanet 140162, MedGen C0027672, MeSH D009386, MONDO:0015356.

gnomAD v4.1: 1 of 1,614,016 alleles (0.000062%); highest among the groups gnomAD compares: Middle Eastern, 0.017%; no homozygotes.

Submissions (3):

Labcorp Genetics (formerly Invitae), Labcorp
Classification: Uncertain significance for Ataxia-telangiectasia syndrome. Last evaluated: 2024-01-30. Review status: criteria provided, single submitter. Criteria: Invitae Variant Classification Sherloc (09022015). Collection method: clinical testing. Allele origin: germline.
Comment: This sequence change replaces serine, which is neutral and polar, with arginine, which is basic and polar, at codon 1281 of the ATM protein (p.Ser1281Arg). This variant is not present in population databases (gnomAD no frequency). This variant has not been reported in the literature in individuals affected with ATM-related conditions. ClinVar contains an entry for this variant (Variation ID: 1735442). Algorithms developed to predict the effect of missense changes on protein structure and function output the following: SIFT: "Not Available"; PolyPhen-2: "Benign"; Align-GVGD: "Not Available". The arginine amino acid residue is found in multiple mammalian species, which suggests that this missense change does not adversely affect protein function. In summary, the available evidence is currently insufficient to determine the role of this variant in disease. Therefore, it has been classified as a Variant of Uncertain Significance.

Baylor Genetics
Classification: Uncertain significance for Familial cancer of breast. Last evaluated: 2023-10-16. Review status: criteria provided, single submitter. Criteria: ACMG Guidelines, 2015. Collection method: clinical testing. Allele origin: unknown.

Ambry Genetics
Classification: Uncertain significance for Hereditary cancer-predisposing syndrome. Last evaluated: 2022-10-04. Review status: criteria provided, single submitter. Criteria: Ambry Variant Classification Scheme 2023. Collection method: clinical testing. Allele origin: germline.
Comment: The p.S1281R variant (also known as c.3841A>C), located in coding exon 25 of the ATM gene, results from an A to C substitution at nucleotide position 3841. The serine at codon 1281 is replaced by arginine, an amino acid with dissimilar properties. This amino acid position is conserved. In addition, this alteration is predicted to be tolerated by in silico analysis. Since supporting evidence is limited at this time, the clinical significance of this alteration remains unclear.

NM_000051.4(ATM):c.3841A>C (p.Ser1281Arg)

Gene: ATM (ATM serine/threonine kinase; plus strand). Cytogenetic location: 11q22.3.
Variant type: single nucleotide variant.
Coding change: c.3841A>C on transcript NM_000051.4 (MANE Select); coding-DNA position 3841, A replaced by C.
Protein change: p.Ser1281Arg; replaces serine 1281 with arginine.
Molecular consequence: missense variant.
Genome position (GRCh38, 1-based): chr11:108,284,321, A>C. VCF-style: chr11-108284321-A-C. GRCh37 (hg19) VCF-style: chr11-108155048-A-C.
Other names: c.3841A>C, p.Ser1281Arg (NM_001351834.2); short protein forms S1281R.
Identifiers: ClinVar variation 1735442 (VCV001735442.6), dbSNP rs370785959, ClinGen allele CA382525128.